The following is an entry in ClinVar:

NM_001098511.3(KIF2A):c.1960C>T (p.Gln654Ter)

Gene: KIF2A (kinesin family member 2A; plus strand). Cytogenetic location: 5q12.1.
Variant type: single nucleotide variant.
Coding change: c.1960C>T on transcript NM_001098511.3 (MANE Select); coding-DNA position 1960, C replaced by T.
Protein change: p.Gln654Ter; replaces glutamine 654 with a stop codon.
Molecular consequence: nonsense.
Genome position (GRCh38, 1-based): chr5:62,377,709, C>T. VCF-style: chr5-62377709-C-T. GRCh37 (hg19) VCF-style: chr5-61673536-C-T.
Other names: c.1765C>T, p.Gln589Ter (NM_001243952.2); c.1789C>T, p.Gln597Ter (NM_001243953.2); c.1846C>T, p.Gln616Ter (NM_004520.5); short protein forms Q654*, Q589*, Q597*, Q616*.
Identifiers: ClinVar variation 2029456 (VCV002029456.4), dbSNP rs2531393785, ClinGen allele CA359821750.

ClinVar aggregate classification (germline): Uncertain significance (1 of 4 stars; one submission).

Submission:

Labcorp Genetics (formerly Invitae), Labcorp
Classification: Uncertain significance. Last evaluated: 2022-09-07. Review status: criteria provided, single submitter. Criteria: Invitae Variant Classification Sherloc (09022015). Collection method: clinical testing. Allele origin: germline.
Comment: This sequence change creates a premature translational stop signal (p.Gln654*) in the KIF2A gene. It is expected to result in an absent or disrupted protein product. However, the current clinical and genetic evidence is not sufficient to establish whether loss-of-function variants in KIF2A cause disease. This variant is not present in population databases (gnomAD no frequency). This variant has not been reported in the literature in individuals affected with KIF2A-related conditions. In summary, the available evidence is currently insufficient to determine the role of this variant in disease. Therefore, it has been classified as a Variant of Uncertain Significance.